The following is an entry in ClinVar:

NM_031935.3(HMCN1):c.6386C>T (p.Ala2129Val)

Gene: HMCN1 (hemicentin 1; plus strand). Cytogenetic location: 1q31.1.
Variant type: single nucleotide variant.
Coding change: c.6386C>T on transcript NM_031935.3 (MANE Select); coding-DNA position 6386, C replaced by T.
Protein change: p.Ala2129Val; replaces alanine 2129 with valine.
Molecular consequence: missense variant.
Genome position (GRCh38, 1-based): chr1:186,045,769, C>T. VCF-style: chr1-186045769-C-T. GRCh37 (hg19) VCF-style: chr1-186014901-C-T.
Other names: c.6386C>T (NM_031935.2); short protein forms A2129V.
Identifiers: ClinVar variation 1975783 (VCV001975783.6), dbSNP rs778772506, ClinGen allele CA1292559.

ClinVar aggregate classification (germline): Uncertain significance. Review status: criteria provided, multiple submitters, no conflicts (2 of 4 stars). 2 submissions from 2 submitters: Uncertain significance (2). Last evaluated 2025-06-17.

Allele frequency attached by ClinVar (database versions not stated): gnomAD exomes below 0.00001; TOPMed below 0.00001; ExAC 0.00002.
gnomAD v4.1: 5 of 1,611,758 alleles (0.00031%); highest among the groups gnomAD compares: South Asian, 0.0033%; no homozygotes.

Submissions (2):

Ambry Genetics
Classification: Uncertain significance. Last evaluated: 2025-06-17. Review status: criteria provided, single submitter. Criteria: Ambry Variant Classification Scheme 2023. Collection method: clinical testing. Allele origin: germline.

Labcorp Genetics (formerly Invitae), Labcorp
Classification: Uncertain significance. Last evaluated: 2022-03-11. Review status: criteria provided, single submitter. Criteria: Invitae Variant Classification Sherloc (09022015). Collection method: clinical testing. Allele origin: germline.
Comment: This variant has not been reported in the literature in individuals affected with HMCN1-related conditions. This variant is present in population databases (rs778772506, gnomAD 0.02%). This sequence change replaces alanine, which is neutral and non-polar, with valine, which is neutral and non-polar, at codon 2129 of the HMCN1 protein (p.Ala2129Val). In summary, the available evidence is currently insufficient to determine the role of this variant in disease. Therefore, it has been classified as a Variant of Uncertain Significance. Algorithms developed to predict the effect of missense changes on protein structure and function (SIFT, PolyPhen-2, Align-GVGD) all suggest that this variant is likely to be disruptive.